The following is an entry in ClinVar:

NM_144643.4(SCLT1):c.283A>G (p.Asn95Asp)

Gene: SCLT1 (sodium channel and clathrin linker 1; minus strand). Cytogenetic location: 4q28.2.
Variant type: single nucleotide variant.
Coding change: c.283A>G on transcript NM_144643.4 (MANE Select); coding-DNA position 283, A replaced by G.
Protein change: p.Asn95Asp; replaces asparagine 95 with aspartic acid.
Molecular consequence: missense variant.
Genome position (GRCh38, 1-based): chr4:129,039,048, T>C on the plus strand (A>G on the coding strand, the complement: SCLT1 is on the minus strand). VCF-style: chr4-129039048-T-C. GRCh37 (hg19) VCF-style: chr4-129960203-T-C.
Other names: c.283A>G, p.Asn95Asp (NM_001300898.2, NM_001410807.1); short protein forms N95D.
Identifiers: ClinVar variation 3345931 (VCV003345931.1).

ClinVar aggregate classification (germline): Uncertain significance (0 of 4 stars; one submission).

Conditions:
SCLT1-related disorder. Also called: SCLT1-related condition.

Submission:

PreventionGenetics, part of Exact Sciences
Classification: Uncertain significance for SCLT1-related condition. Last evaluated: 2024-09-20. Review status: no assertion criteria provided. Collection method: clinical testing. Allele origin: germline.
Comment: The SCLT1 c.283A>G variant is predicted to result in the amino acid substitution p.Asn95Asp. To our knowledge, this variant has not been reported in the literature or in gnomAD, indicating this variant is rare. At this time, the clinical significance of this variant is uncertain due to the absence of conclusive functional and genetic evidence.